The following is an entry in ClinVar:

ClinVar aggregate classification (germline): Uncertain significance. Review status: criteria provided, single submitter (1 of 4 stars). 2 submissions from 1 submitter: Uncertain significance (2). Last evaluated 2024-02-28.

Conditions:
Duane retraction syndrome. Also called: Duane Syndrome; Duane's syndrome; RETRACTION SYNDROME; Duane anomaly. Identifiers: Orphanet 233, MedGen C0013261, MONDO:0007473, HP:0009921.
Myeloproliferative neoplasm. Identifiers: Orphanet 98274, MedGen C1292778, MONDO:0020076.

Allele frequency attached by ClinVar (database versions not stated): gnomAD exomes 0.00001; ExAC 0.00002; TOPMed 0.00002; ESP Exome Variant Server 0.00008.
gnomAD v4.1: 21 of 1,614,128 alleles (0.0013%); no homozygotes.

Submissions (2):

Broad Center for Mendelian Genomics, Broad Institute of MIT and Harvard
Classification: Uncertain significance for Duane retraction syndrome. Last evaluated: 2024-02-28. Review status: criteria provided, single submitter. Criteria: ACMG Guidelines, 2015. Collection method: curation. Allele origin: germline.
Comment: The heterozygous p.Ile1274Val variant (also known as p.Ile1285Val) in CUX1 was identified in 1 individual with isolated sporadic Duane retraction syndrome (DRS) via a collaborative study between the Broad Institute's Center for Mendelian Genomics and the Engle lab. While this gene has a strong gene-disease association with global developmental delay with or without impaired intellectual development, it is lacking sufficient evidence to establish a gene-disease relationship for DRS. We believe this is a possible novel gene candidate for DRS. Given the limited information about this gene-disease relationship, the significance of the p.Ile1274Val variant is uncertain. If you have any additional information about functional evidence or other individuals with this phenotype that also have variants in CUX1 we encourage you to reach out to the Engle Lab.

Broad Center for Mendelian Genomics, Broad Institute of MIT and Harvard
Classification: Uncertain significance for Myeloproliferative neoplasm. Last evaluated: 2023-12-20. Review status: criteria provided, single submitter. Criteria: ACMG Guidelines, 2015. Collection method: curation. Allele origin: germline. Study: GREGoR Consortium.
Comment: While this gene has a definitive gene-disease relationship with another phenotype (global developmental delay with or without impaired intellectual development), it is lacking sufficient evidence to establish a gene-disease relationship for myeloproliferative disorder. We believe this is a possible novel gene candidate for myeloproliferative disorder. Given the limited information about this gene-disease relationship, the significance of the p.Ile1285Val variant is uncertain. If you have any additional information about functional evidence or other individuals with this phenotype that also have variants in CUX1 we encourage you to reach out to us.

NM_181552.4(CUX1):c.3820A>G (p.Ile1274Val)

Gene: CUX1 (cut like homeobox 1; plus strand). Cytogenetic location: 7q22.1.
Variant type: single nucleotide variant.
Coding change: c.3820A>G on transcript NM_181552.4 (MANE Select); coding-DNA position 3820, A replaced by G.
Protein change: p.Ile1274Val; replaces isoleucine 1274 with valine.
Molecular consequence: missense variant. On other transcripts: intron variant (5).
Genome position (GRCh38, 1-based): chr7:102,239,517, A>G. VCF-style: chr7-102239517-A-G. GRCh37 (hg19) VCF-style: chr7-101882797-A-G.
Other names: NM_181500.4:c.1250-33849A>G; c.1208-33849A>G (NM_001202544.3); c.1139-33849A>G (NM_001202546.3); c.3853A>G, p.Ile1285Val (NM_001202543.2); c.1256-33849A>G (NM_001913.5); c.1250-33849A>G (NM_181500.4); c.1118-33849A>G (NM_001202545.3); short protein forms I1274V, I1285V.
Identifiers: ClinVar variation 2674591 (VCV002674591.2), dbSNP rs368394580, ClinGen allele CA4411428.
Genomic context (GRCh38, chr7:102,239,517, plus strand): 5'-GAGGAGAAGGAGGCGCTGAAACGAGCGTATCAGCAAAAGCCATACCCGTCACCAAAAACC[A>G]TCGAAGACCTCGCCACCCAGCTCAACCTGAAAACCAGCACCGTCATCAACTGGTTCCACA-3'
Protein context (NP_853530.2, residues 1264-1284): QQKPYPSPKT[Ile1274Val]EDLATQLNLK